The following is an entry in ClinVar:

ClinVar aggregate classification (germline): Uncertain significance. Review status: criteria provided, multiple submitters, no conflicts (2 of 4 stars). 2 submissions from 2 submitters: Uncertain significance (2). Last evaluated 2025-04-15.

Conditions:
Leber congenital amaurosis 7 (LCA7). Identifiers: Orphanet 65, MedGen C3151192, MONDO:0013449, OMIM 613829.
Cone-rod dystrophy 2 (CORD2). Also called: CONE-ROD RETINAL DYSTROPHY; Cone-rod retinal dystrophy 2. Identifiers: Orphanet 1872, MedGen C3489532, MONDO:0007362, OMIM 120970.
CRX-related disorder. Also called: CRX-related condition.

Allele frequency attached by ClinVar (database versions not stated): gnomAD exomes below 0.00001; gnomAD 0.00001; TOPMed 0.00001.
gnomAD v4.1: 3 of 1,612,428 alleles (0.00019%); highest among the groups gnomAD compares: Admixed American, 0.005%; no homozygotes.

Submissions (2):

PreventionGenetics, part of Exact Sciences
Classification: Uncertain significance for CRX-related condition. Last evaluated: 2025-04-15. Review status: criteria provided, single submitter. Criteria: ACMG Guidelines, 2015. Collection method: clinical testing. Allele origin: germline.
Comment: The CRX c.497C>A variant is predicted to result in the amino acid substitution p.Ala166Asp. To our knowledge, this variant has not been reported in the literature. This variant is reported in 0.0058% of alleles in individuals of Latino descent in gnomAD. At this time, the clinical significance of this variant is uncertain due to the absence of conclusive functional and genetic evidence.

Labcorp Genetics (formerly Invitae), Labcorp
Classification: Uncertain significance for Cone-rod dystrophy 2; Leber congenital amaurosis 7. Last evaluated: 2024-02-23. Review status: criteria provided, single submitter. Criteria: Invitae Variant Classification Sherloc (09022015). Collection method: clinical testing. Allele origin: germline.
Comment: This sequence change replaces alanine, which is neutral and non-polar, with aspartic acid, which is acidic and polar, at codon 166 of the CRX protein (p.Ala166Asp). This variant is present in population databases (no rsID available, gnomAD 0.006%). This variant has not been reported in the literature in individuals affected with CRX-related conditions. ClinVar contains an entry for this variant (Variation ID: 1930913). Advanced modeling of protein sequence and biophysical properties (such as structural, functional, and spatial information, amino acid conservation, physicochemical variation, residue mobility, and thermodynamic stability) performed at Invitae indicates that this missense variant is not expected to disrupt CRX protein function with a negative predictive value of 80%. In summary, the available evidence is currently insufficient to determine the role of this variant in disease. Therefore, it has been classified as a Variant of Uncertain Significance.

NM_000554.6(CRX):c.497C>A (p.Ala166Asp)

Gene: CRX (cone-rod homeobox; plus strand). Cytogenetic location: 19q13.33.
Variant type: single nucleotide variant.
Coding change: c.497C>A on transcript NM_000554.6 (MANE Select); coding-DNA position 497, C replaced by A.
Protein change: p.Ala166Asp; replaces alanine 166 with aspartic acid.
Molecular consequence: missense variant.
Genome position (GRCh38, 1-based): chr19:47,839,564, C>A. VCF-style: chr19-47839564-C-A. GRCh37 (hg19) VCF-style: chr19-48342821-C-A.
Other names: c.497C>A (NM_000554.5); short protein forms A166D.
Identifiers: ClinVar variation 1930913 (VCV001930913.6), dbSNP rs1189004931, ClinGen allele CA406630849.